The following is an entry in ClinVar:

ClinVar aggregate classification (germline): Uncertain significance (1 of 4 stars; one submission).

Conditions:
Cardiovascular phenotype. Identifiers: MedGen CN230736.

gnomAD v4.1: 3 of 1,613,530 alleles (0.00019%); highest among the groups gnomAD compares: Non-Finnish European, 0.00025%; no homozygotes.

Submission:

Ambry Genetics
Classification: Uncertain significance for Cardiovascular phenotype. Last evaluated: 2025-03-14. Review status: criteria provided, single submitter. Criteria: Ambry Variant Classification Scheme 2023. Collection method: clinical testing. Allele origin: germline.
Comment: The p.A948D variant (also known as c.2843C>A), located in coding exon 23 of the ABCC9 gene, results from a C to A substitution at nucleotide position 2843. The alanine at codon 948 is replaced by aspartic acid, an amino acid with dissimilar properties. This amino acid position is not well conserved in available vertebrate species. In addition, the in silico prediction for this alteration is inconclusive. Based on the available evidence, the clinical significance of this variant remains unclear.

NM_020297.4(ABCC9):c.2843C>A (p.Ala948Asp)

Gene: ABCC9 (ATP binding cassette subfamily C member 9; minus strand). Cytogenetic location: 12p12.1.
Variant type: single nucleotide variant.
Coding change: c.2843C>A on transcript NM_020297.4 (MANE Select); coding-DNA position 2843, C replaced by A.
Protein change: p.Ala948Asp; replaces alanine 948 with aspartic acid.
Molecular consequence: missense variant.
Genome position (GRCh38, 1-based): chr12:21,848,173, G>T on the plus strand (C>A on the coding strand, the complement: ABCC9 is on the minus strand). VCF-style: chr12-21848173-G-T. GRCh37 (hg19) VCF-style: chr12-22001107-G-T.
Other names: c.2843C>A, p.Ala948Asp (NM_001377273.1, NM_005691.4); c.1976C>A, p.Ala659Asp (NM_001377274.1); short protein forms A948D, A659D.
Identifiers: ClinVar variation 3880028 (VCV003880028.1).